The following is an entry in ClinVar:

ClinVar aggregate classification (germline): Uncertain significance (1 of 4 stars; one submission).

Conditions:
Autosomal dominant childhood-onset proximal spinal muscular atrophy with contractures (SMALED2A). Also called: SPINAL MUSCULAR ATROPHY, LOWER EXTREMITY-PREDOMINANT, 2A, CHILDHOOD ONSET, AUTOSOMAL DOMINANT; Spinal muscular atrophy, lower extremity-predominant, 2A, autosomal dominant. Identifiers: Orphanet 363447, Orphanet 363454, MedGen C4747715, MONDO:0014121, OMIM 615290.

Submission:

Labcorp Genetics (formerly Invitae), Labcorp
Classification: Uncertain significance for Autosomal dominant childhood-onset proximal spinal muscular atrophy with contractures. Last evaluated: 2021-04-09. Review status: criteria provided, single submitter. Criteria: Invitae Variant Classification Sherloc (09022015). Collection method: clinical testing. Allele origin: germline.
Comment: This sequence change replaces isoleucine with phenylalanine at codon 152 of the BICD2 protein (p.Ile152Phe). The isoleucine residue is weakly conserved and there is a small physicochemical difference between isoleucine and phenylalanine. This variant is not present in population databases (ExAC no frequency). This variant has not been reported in the literature in individuals with BICD2-related conditions. Algorithms developed to predict the effect of missense changes on protein structure and function (SIFT, PolyPhen-2, Align-GVGD) all suggest that this variant is likely to be tolerated, but these predictions have not been confirmed by published functional studies and their clinical significance is uncertain. In summary, the available evidence is currently insufficient to determine the role of this variant in disease. Therefore, it has been classified as a Variant of Uncertain Significance.

NM_001003800.2(BICD2):c.454A>T (p.Ile152Phe)

Gene: BICD2 (BICD cargo adaptor 2; minus strand). Cytogenetic location: 9q22.31.
Variant type: single nucleotide variant.
Coding change: c.454A>T on transcript NM_001003800.2 (MANE Select); coding-DNA position 454, A replaced by T.
Protein change: p.Ile152Phe; replaces isoleucine 152 with phenylalanine.
Molecular consequence: missense variant.
Genome position (GRCh38, 1-based): chr9:92,722,808, T>A on the plus strand (A>T on the coding strand, the complement: BICD2 is on the minus strand). VCF-style: chr9-92722808-T-A. GRCh37 (hg19) VCF-style: chr9-95485090-T-A.
Other names: c.454A>T, p.Ile152Phe (NM_015250.4); short protein forms I152F.
Identifiers: ClinVar variation 1488461 (VCV001488461.8), dbSNP rs1853491424, ClinGen allele CA374045871.